The following is an entry in ClinVar:

ClinVar aggregate classification (germline): Likely benign (1 of 4 stars; one submission).

Allele frequency attached by ClinVar (database versions not stated): gnomAD exomes below 0.00001.
gnomAD v4.1: 1 of 1,199,415 alleles (0.000083%); highest among the groups gnomAD compares: Non-Finnish European, 0.00011%; no homozygotes.

Submission:

CeGaT Center for Human Genetics Tuebingen
Classification: Likely benign. Last evaluated: 2022-04-01. Review status: criteria provided, single submitter. Criteria: CeGaT Center For Human Genetics Tuebingen Variant Classification Criteria Version 2. Collection method: clinical testing. Allele origin: germline. Affected: yes. Observed: 1 variant allele.
Comment: KLF8: PM2:Supporting, BP4, BP7

NM_007250.5(KLF8):c.-8C>T

Gene: KLF8 (KLF transcription factor 8; plus strand). Cytogenetic location: Xp11.21.
Variant type: single nucleotide variant.
Coding change: c.-8C>T on transcript NM_007250.5 (MANE Select); 8 bases upstream of the start codon, C replaced by T.
Molecular consequence: 5 prime UTR variant. On other transcripts: synonymous variant (1), non-coding transcript variant (2), intron variant (2).
Genome position (GRCh38, 1-based): chrX:56,233,327, C>T. VCF-style: chrX-56233327-C-T. GRCh37 (hg19) VCF-style: chrX-56259760-C-T.
Other names: c.-8C>T (NM_001159296.2, NM_001324100.1, NM_001324102.1); c.52C>T, p.Leu18= (NM_001324099.1); c.-2-16904C>T (NM_001324105.1); c.23-16904C>T (NM_001324104.1).
Identifiers: ClinVar variation 2660703 (VCV002660703.24), dbSNP rs2519623660, ClinGen allele CA2579625537.